The following is an entry in ClinVar:

ClinVar aggregate classification (germline): Conflicting classifications of pathogenicity. Review status: criteria provided, conflicting classifications (1 of 4 stars). 8 submissions from 6 submitters: Uncertain significance (2); Benign (1); Likely benign (5). Last evaluated 2026-01-12.

Conditions:
Idiopathic Pulmonary Fibrosis. Also called: Idiopathic fibrosing alveolitis, chronic form; idiopathic fibrosing alveolitis. Identifiers: Orphanet 2032, MedGen C1800706, MeSH D054990, MONDO:0800504.
Dyskeratosis congenita, autosomal dominant 2. Identifiers: MedGen C3151443, MONDO:0013521, OMIM 613989.
Pulmonary fibrosis and/or bone marrow failure, Telomere-related, 1. Also called: PULMONARY FIBROSIS AND/OR BONE MARROW FAILURE SYNDROME, TELOMERE-RELATED, 1. Identifiers: Orphanet 88, MedGen C3553617, MONDO:0013878, OMIM 614742.
Aplastic anemia. Identifiers: Orphanet 182040, Orphanet 88, MedGen C0002874, MONDO:0015909, OMIM 609135, HP:0001915.
Dyskeratosis congenita. Identifiers: Orphanet 1775, MedGen C0265965, MONDO:0015780.

Allele frequency attached by ClinVar (database versions not stated): TOPMed 0.00005.
gnomAD v4.1: 27 of 1,584,768 alleles (0.0017%); highest among the groups gnomAD compares: Non-Finnish European, 0.002%; no homozygotes.

Submissions (8):

Labcorp Genetics (formerly Invitae), Labcorp
Classification: Likely benign for Dyskeratosis congenita, autosomal dominant 2; Idiopathic Pulmonary Fibrosis. Last evaluated: 2026-01-12. Review status: criteria provided, single submitter. Criteria: Invitae Variant Classification Sherloc (09022015). Collection method: clinical testing. Allele origin: germline.

CeGaT Center for Human Genetics Tuebingen
Classification: Likely benign. Last evaluated: 2025-07-01. Review status: criteria provided, single submitter. Criteria: CeGaT Center For Human Genetics Tuebingen Variant Classification Criteria Version 2. Collection method: clinical testing. Allele origin: germline. Affected: yes. Observed: 2 variant alleles.
Comment: TERT: BP4, BP7

Laboratory of Genetics, Children's Clinical University Hospital Latvia
Classification: Likely benign. Last evaluated: 2025-02-16. Review status: criteria provided, single submitter. Criteria: ACMG Guidelines, 2015. Collection method: clinical testing. Allele origin: germline. Affected: yes.

Blueprint Genetics
Classification: Likely benign. Last evaluated: 2022-07-13. Review status: criteria provided, single submitter. Criteria: ACMG Guidelines, 2015. Collection method: clinical testing. Allele origin: germline.

Ambry Genetics
Classification: Likely benign for Dyskeratosis congenita. Last evaluated: 2022-06-01. Review status: criteria provided, single submitter. Criteria: Ambry Variant Classification Scheme 2023. Collection method: clinical testing. Allele origin: germline.

Illumina Laboratory Services, Illumina
Classification: Uncertain significance for Aplastic anemia. Last evaluated: 2018-01-12. Review status: criteria provided, single submitter. Criteria: ICSL Variant Classification Criteria 13 December 2019. Collection method: clinical testing. Allele origin: germline.

Illumina Laboratory Services, Illumina
Classification: Benign for Pulmonary fibrosis and/or bone marrow failure, Telomere-related, 1. Last evaluated: 2018-01-12. Review status: criteria provided, single submitter. Criteria: ICSL Variant Classification Criteria 13 December 2019. Collection method: clinical testing. Allele origin: germline.
Comment: This variant was observed in the ICSL laboratory as part of a predisposition screen in an ostensibly healthy population. It had not been previously curated by ICSL or reported in the Human Gene Mutation Database (HGMD: prior to June 1st, 2018), and was therefore a candidate for classification through an automated scoring system. Utilizing variant allele frequency, disease prevalence and penetrance estimates, and inheritance mode, an automated score was calculated to assess if this variant is too frequent to cause the disease. Based on the score and internal cut-off values, a variant classified as benign is not then subjected to further curation. The score for this variant resulted in a classification of benign for this disease.

Illumina Laboratory Services, Illumina
Classification: Uncertain significance for Dyskeratosis congenita, autosomal dominant 2. Last evaluated: 2018-01-12. Review status: criteria provided, single submitter. Criteria: ICSL Variant Classification Criteria 13 December 2019. Collection method: clinical testing. Allele origin: germline.

NM_198253.3(TERT):c.663G>T (p.Ala221=)

Gene: TERT (telomerase reverse transcriptase; minus strand). Cytogenetic location: 5p15.33.
Variant type: single nucleotide variant.
Coding change: c.663G>T on transcript NM_198253.3 (MANE Select); coding-DNA position 663, G replaced by T.
Protein change: p.Ala221=; no amino-acid change (alanine 221 retained).
Molecular consequence: synonymous variant. On other transcripts: non-coding transcript variant (2).
Genome position (GRCh38, 1-based): chr5:1,294,223, C>A on the plus strand (G>T on the coding strand, the complement: TERT is on the minus strand). VCF-style: chr5-1294223-C-A. GRCh37 (hg19) VCF-style: chr5-1294338-C-A.
Other names: c.663G>T, p.Ala221= (NM_001193376.3).
Identifiers: ClinVar variation 350803 (VCV000350803.35), dbSNP rs35837567, ClinGen allele CA3184933.